The following is an entry in ClinVar:

ClinVar aggregate classification (germline): Uncertain significance (1 of 4 stars; one submission).

Conditions:
Early-infantile DEE. Also called: Ohtahara syndrome; Early infantile epileptic encephalopathy; Early infantile epileptic encephalopathy with suppression bursts. Identifiers: Orphanet 1934, MedGen C0393706, MONDO:0800491.

Submission:

Labcorp Genetics (formerly Invitae), Labcorp
Classification: Uncertain significance for Early-infantile DEE. Last evaluated: 2024-05-27. Review status: criteria provided, single submitter. Criteria: Invitae Variant Classification Sherloc (09022015). Collection method: clinical testing. Allele origin: germline.
Comment: This sequence change replaces glutamic acid, which is acidic and polar, with leucine, which is neutral and non-polar, at codon 505 of the HCN1 protein (p.Glu505Leu). Information on the frequency of this variant in the gnomAD database is not available, as this variant may be reported differently in the database. This variant has not been reported in the literature in individuals affected with HCN1-related conditions. An algorithm developed to predict the effect of missense changes on protein structure and function (PolyPhen-2) suggests that this variant is likely to be disruptive. In summary, the available evidence is currently insufficient to determine the role of this variant in disease. Therefore, it has been classified as a Variant of Uncertain Significance.

NM_021072.4(HCN1):c.1513_1514delinsTT (p.Glu505Leu)

Gene: HCN1 (hyperpolarization activated cyclic nucleotide gated potassium channel 1; minus strand). Cytogenetic location: 5p12.
Variant type: Indel.
Coding change: c.1513_1514delinsTT on transcript NM_021072.4 (MANE Select); coding-DNA positions 1513 to 1514, GA replaced by TT.
Protein change: p.Glu505Leu; replaces glutamic acid 505 with leucine.
Molecular consequence: missense variant.
Genome position (GRCh38, 1-based): chr5:45,303,703-45,303,704, TC replaced by AA on the plus strand (GA replaced by TT on the coding strand, the reverse complement: HCN1 is on the minus strand). VCF-style: chr5-45303703-TC-AA. GRCh37 (hg19) VCF-style: chr5-45303805-TC-AA.
Other names: short protein forms E505L.
Identifiers: ClinVar variation 3654633 (VCV003654633.2).
Genomic context (GRCh38, chr5:45,303,703, plus strand): 5'-TTTGTAATGACACCAGCAACACCGTGTTGAATGAAATACATTTTTTTACCCACGGCTCCT[TC>AA]TCGTATGATATAATCTCCAGGTTGAAACACCTCAAATCTCAACTTGCTCAGCATGGCAGT-3'
Protein context (NP_066550.2, residues 495-515): VFQPGDYIIR[Glu505Leu]GAVGKKMYFI